The following is an entry in ClinVar:

ClinVar aggregate classification (germline): Likely pathogenic (1 of 4 stars; one submission).

Submission:

GeneDx
Classification: Likely pathogenic. Last evaluated: 2015-08-06. Review status: criteria provided, single submitter. Criteria: GeneDx Variant Classification (06012015). Collection method: clinical testing. Allele origin: germline. Affected: yes.
Comment: The A121T variant in the PRPS1 gene has not been published as pathogenic, nor has it been reported as a benign polymorphism to our knowledge. The A121T variant was not observed in approximately 6500 individuals of European and African American ancestry in the NHLBI Exome Sequencing Project, indicating it is not a common benign variant in these populations. The A121T variant is a non-conservative amino acid substitution, which is likely to impact secondary protein structure as these residues differ in polarity, charge, size and/or other properties. This substitution occurs at a position that is conserved across species. In silico analysis predicts this variant is probably damaging to the protein structure/function. A missense variant in the same residue (A121G) has been reported in the Human Gene Mutation Database in association with Charcot-Marie-Tooth disease, type 5; additional nearby missense mutations (M115V, M115T, L129I) have also been reported in association with PRPS1-related disorders (Stenson et al., 2014), supporting the functional importance of this region of the protein. The A121T variant is a strong candidate for a disease-causing mutation, however the possibility it may be a rare benign variant cannot be excluded.

NM_002764.4(PRPS1):c.361G>A (p.Ala121Thr)

Gene: PRPS1 (phosphoribosyl pyrophosphate synthetase 1; plus strand). Cytogenetic location: Xq22.3.
Variant type: single nucleotide variant.
Coding change: c.361G>A on transcript NM_002764.4 (MANE Select); coding-DNA position 361, G replaced by A.
Protein change: p.Ala121Thr; replaces alanine 121 with threonine.
Molecular consequence: missense variant. On other transcripts: intron variant (1).
Genome position (GRCh38, 1-based): chrX:107,640,956, G>A. VCF-style: chrX-107640956-G-A. GRCh37 (hg19) VCF-style: chrX-106884186-G-A.
Other names: c.-82-4221G>A (NM_001204402.2); short protein forms A121T.
Identifiers: ClinVar variation 245839 (VCV000245839.2), dbSNP rs879253970, ClinGen allele CA10584630.